The following is an entry in ClinVar:

NM_000435.3(NOTCH3):c.1379-173C>G

Gene: NOTCH3 (notch receptor 3; minus strand). Cytogenetic location: 19p13.12.
Variant type: single nucleotide variant.
Coding change: c.1379-173C>G on transcript NM_000435.3 (MANE Select); 173 bases into the intron before coding-DNA position 1379, C replaced by G.
Molecular consequence: intron variant.
Genome position (GRCh38, 1-based): chr19:15,188,521, G>C on the plus strand (C>G on the coding strand, the complement: NOTCH3 is on the minus strand). VCF-style: chr19-15188521-G-C. GRCh37 (hg19) VCF-style: chr19-15299332-G-C.
Identifiers: ClinVar variation 1683855 (VCV001683855.2), dbSNP rs547839307, ClinGen allele CA305775530.

ClinVar aggregate classification (germline): Likely benign (1 of 4 stars; one submission).

Allele frequency attached by ClinVar (database versions not stated): 1000 Genomes Project 0.00240; 1000 Genomes Project 30x 0.00250; TOPMed 0.00277; gnomAD 0.00322 and 0.00339.
gnomAD v4.1: 519 of 152,124 alleles (0.34%); highest among the groups gnomAD compares: South Asian, 0.81%; 2 homozygotes.

Submission:

GeneDx
Classification: Likely benign. Last evaluated: 2021-05-17. Review status: criteria provided, single submitter. Criteria: GeneDx Variant Classification Process June 2021. Collection method: clinical testing. Allele origin: germline. Affected: yes.
Comment: See Variant Classification Assertion Criteria.